The following is an entry in ClinVar:

NM_000138.5(FBN1):c.7553A>G (p.His2518Arg)

Gene: FBN1 (fibrillin 1; minus strand). Cytogenetic location: 15q21.1.
Variant type: single nucleotide variant.
Coding change: c.7553A>G on transcript NM_000138.5 (MANE Select); coding-DNA position 7553, A replaced by G.
Protein change: p.His2518Arg; replaces histidine 2518 with arginine.
Molecular consequence: missense variant.
Genome position (GRCh38, 1-based): chr15:48,421,969, T>C on the plus strand (A>G on the coding strand, the complement: FBN1 is on the minus strand). VCF-style: chr15-48421969-T-C. GRCh37 (hg19) VCF-style: chr15-48714166-T-C.
Other names: c.7553A>G, p.His2518Arg (NM_001406716.1); short protein forms H2518R.
Identifiers: ClinVar variation 2773312 (VCV002773312.2), dbSNP rs2042946260, ClinGen allele CA392325864.

ClinVar aggregate classification (germline): Uncertain significance (1 of 4 stars; one submission).

Conditions:
Familial thoracic aortic aneurysm and aortic dissection (TAAD). Also called: Thoracic aortic aneurysms and dissections. Identifiers: Orphanet 91387, MedGen C4707243, MONDO:0019625.

Allele frequency attached by ClinVar (database versions not stated): gnomAD exomes below 0.00001.
gnomAD v4.1: 2 of 1,613,190 alleles (0.00012%); highest among the groups gnomAD compares: Non-Finnish European, 0.00017%; no homozygotes.

Submission:

Color Diagnostics, LLC DBA Color Health
Classification: Uncertain significance for Familial thoracic aortic aneurysm and aortic dissection. Last evaluated: 2024-03-07. Review status: criteria provided, single submitter. Criteria: ACMG Guidelines, 2015. Collection method: clinical testing. Allele origin: germline.
Comment: This missense variant replaces histidine with arginine at codon 2518 of the FBN1 protein. Computational prediction is inconclusive regarding the impact of this variant on protein structure and function (internally defined REVEL score threshold 0.5 < inconclusive < 0.7, PMID: 27666373). To our knowledge, functional studies have not been reported for this variant. This variant has not been reported in individuals affected with cardiovascular disorders in the literature. This variant has not been identified in the general population by the Genome Aggregation Database (gnomAD). The available evidence is insufficient to determine the role of this variant in disease conclusively. Therefore, this variant is classified as a Variant of Uncertain Significance.